The following is an entry in ClinVar:

ClinVar aggregate classification (germline): Uncertain significance. Review status: criteria provided, multiple submitters, no conflicts (2 of 4 stars). 2 submissions from 2 submitters: Uncertain significance (2). Last evaluated 2024-10-01.

Allele frequency attached by ClinVar (database versions not stated): ESP Exome Variant Server 0.00015; 1000 Genomes Project 30x 0.00031; 1000 Genomes Project 0.00040.
gnomAD v4.1: 10 of 1,613,780 alleles (0.00062%); highest among the groups gnomAD compares: African/African-American, 0.011%; no homozygotes.

Submissions (2):

Ambry Genetics
Classification: Uncertain significance. Last evaluated: 2024-10-01. Review status: criteria provided, single submitter. Criteria: Ambry Variant Classification Scheme 2023. Collection method: clinical testing. Allele origin: germline.

Labcorp Genetics (formerly Invitae), Labcorp
Classification: Uncertain significance. Last evaluated: 2024-02-17. Review status: criteria provided, single submitter. Criteria: Invitae Variant Classification Sherloc (09022015). Collection method: clinical testing. Allele origin: germline.
Comment: This sequence change replaces arginine, which is basic and polar, with serine, which is neutral and polar, at codon 104 of the OPN1SW protein (p.Arg104Ser). This variant is present in population databases (rs149847165, gnomAD 0.02%). This variant has not been reported in the literature in individuals affected with OPN1SW-related conditions. ClinVar contains an entry for this variant (Variation ID: 1501599). An algorithm developed to predict the effect of missense changes on protein structure and function (PolyPhen-2) suggests that this variant is likely to be tolerated. In summary, the available evidence is currently insufficient to determine the role of this variant in disease. Therefore, it has been classified as a Variant of Uncertain Significance.

NM_001385125.1(OPN1SW):c.301C>A (p.Arg101Ser)

Gene: OPN1SW (opsin 1, short wave sensitive; minus strand). Cytogenetic location: 7q32.1.
Variant type: single nucleotide variant.
Coding change: c.301C>A on transcript NM_001385125.1 (MANE Select); coding-DNA position 301, C replaced by A.
Protein change: p.Arg101Ser; replaces arginine 101 with serine.
Molecular consequence: missense variant.
Genome position (GRCh38, 1-based): chr7:128,775,481, G>T on the plus strand (C>A on the coding strand, the complement: OPN1SW is on the minus strand). VCF-style: chr7-128775481-G-T. GRCh37 (hg19) VCF-style: chr7-128415535-G-T.
Other names: NM_001708.2:c.310C>A; short protein forms R101S.
Identifiers: ClinVar variation 1501599 (VCV001501599.9), dbSNP rs149847165, ClinGen allele CA4472989.